The following is an entry in ClinVar:

ClinVar aggregate classification (germline): Uncertain significance. Review status: criteria provided, multiple submitters, no conflicts (2 of 4 stars). 5 submissions from 5 submitters: Uncertain significance (5). Last evaluated 2025-03-27.

Conditions:
Inborn genetic diseases. Identifiers: MedGen C0950123, MeSH D030342.
Donnai-Barrow syndrome. Also called: DBS/FOAR SYNDROME; FACIOOCULOACOUSTICORENAL SYNDROME. Identifiers: Orphanet 2143, MedGen C1857277, MONDO:0009104, OMIM 222448.

Allele frequency attached by ClinVar (database versions not stated): gnomAD exomes 0.00002 and 0.00005; ExAC 0.00007; ESP Exome Variant Server 0.00015; gnomAD 0.00015 and 0.00016; TOPMed 0.00015; 1000 Genomes Project 0.00020; 1000 Genomes Project 30x 0.00031.
gnomAD v4.1: 49 of 1,613,772 alleles (0.003%); highest among the groups gnomAD compares: African/African-American, 0.057%; no homozygotes.

Submissions (5):

Ambry Genetics
Classification: Uncertain significance for Inborn genetic diseases. Last evaluated: 2025-03-27. Review status: criteria provided, single submitter. Criteria: Ambry Variant Classification Scheme 2023. Collection method: clinical testing. Allele origin: germline.

Labcorp Genetics (formerly Invitae), Labcorp
Classification: Uncertain significance. Last evaluated: 2025-02-03. Review status: criteria provided, single submitter. Criteria: Invitae Variant Classification Sherloc (09022015). Collection method: clinical testing. Allele origin: germline.
Comment: This sequence change replaces aspartic acid, which is acidic and polar, with asparagine, which is neutral and polar, at codon 1987 of the LRP2 protein (p.Asp1987Asn). This variant is present in population databases (rs77017461, gnomAD 0.04%). This variant has not been reported in the literature in individuals affected with LRP2-related conditions. ClinVar contains an entry for this variant (Variation ID: 1393429). Invitae Evidence Modeling of protein sequence and biophysical properties (such as structural, functional, and spatial information, amino acid conservation, physicochemical variation, residue mobility, and thermodynamic stability) indicates that this missense variant is not expected to disrupt LRP2 protein function with a negative predictive value of 80%. In summary, the available evidence is currently insufficient to determine the role of this variant in disease. Therefore, it has been classified as a Variant of Uncertain Significance.

GeneDx
Classification: Uncertain significance. Last evaluated: 2022-09-29. Review status: criteria provided, single submitter. Criteria: GeneDx Variant Classification Process June 2021. Collection method: clinical testing. Allele origin: germline. Affected: yes.
Comment: In silico analysis supports that this missense variant has a deleterious effect on protein structure/function; Has not been previously published as pathogenic or benign to our knowledge

Revvity Omics, Revvity
Classification: Uncertain significance for Donnai-Barrow syndrome. Last evaluated: 2022-08-01. Review status: criteria provided, single submitter. Criteria: ACMG Guidelines, 2015. Collection method: clinical testing. Allele origin: germline.

Fulgent Genetics
Classification: Uncertain significance for Donnai-Barrow syndrome. Last evaluated: 2022-03-16. Review status: criteria provided, single submitter. Criteria: ACMG Guidelines, 2015. Collection method: clinical testing. Allele origin: unknown.

NM_004525.3(LRP2):c.5959G>A (p.Asp1987Asn)

Gene: LRP2 (LDL receptor related protein 2; minus strand). Cytogenetic location: 2q31.1.
Variant type: single nucleotide variant.
Coding change: c.5959G>A on transcript NM_004525.3 (MANE Select); coding-DNA position 5959, G replaced by A.
Protein change: p.Asp1987Asn; replaces aspartic acid 1987 with asparagine.
Molecular consequence: missense variant.
Genome position (GRCh38, 1-based): chr2:169,213,738, C>T on the plus strand (G>A on the coding strand, the complement: LRP2 is on the minus strand). VCF-style: chr2-169213738-C-T. GRCh37 (hg19) VCF-style: chr2-170070248-C-T.
Other names: c.5959G>A (NM_004525.2); short protein forms D1987N.
Identifiers: ClinVar variation 1393429 (VCV001393429.9), dbSNP rs77017461, ClinGen allele CA1954404.